The following is an entry in ClinVar:

NM_005271.5(GLUD1):c.1147G>A (p.Ala383Thr)

Gene: GLUD1 (glutamate dehydrogenase 1; minus strand). Cytogenetic location: 10q23.2.
Variant type: single nucleotide variant.
Coding change: c.1147G>A on transcript NM_005271.5 (MANE Select); coding-DNA position 1147, G replaced by A.
Protein change: p.Ala383Thr; replaces alanine 383 with threonine.
Molecular consequence: missense variant.
Genome position (GRCh38, 1-based): chr10:87,060,738, C>T on the plus strand (G>A on the coding strand, the complement: GLUD1 is on the minus strand). VCF-style: chr10-87060738-C-T. GRCh37 (hg19) VCF-style: chr10-88820495-C-T.
Other names: c.748G>A, p.Ala250Thr (NM_001318900.1); c.646G>A, p.Ala216Thr (NM_001318901.1, NM_001318902.1, NM_001318904.2 and 2 more transcripts); short protein forms A216T, A383T, A250T.
Identifiers: ClinVar variation 4771551 (VCV004771551.1).

ClinVar aggregate classification (germline): Uncertain significance (1 of 4 stars; one submission).

Conditions:
Hyperinsulinism-hyperammonemia syndrome (HHF6). Identifiers: Orphanet 35878, MedGen C1847555, MONDO:0011717, OMIM 606762.

Submission:

Labcorp Genetics (formerly Invitae), Labcorp
Classification: Uncertain significance for Hyperinsulinism-hyperammonemia syndrome. Last evaluated: 2025-05-26. Review status: criteria provided, single submitter. Criteria: Invitae Variant Classification Sherloc (09022015). Collection method: clinical testing. Allele origin: germline.
Comment: This sequence change replaces alanine, which is neutral and non-polar, with threonine, which is neutral and polar, at codon 383 of the GLUD1 protein (p.Ala383Thr). This variant is not present in population databases (gnomAD no frequency). This variant has not been reported in the literature in individuals affected with GLUD1-related conditions. Invitae Evidence Modeling of protein sequence and biophysical properties (such as structural, functional, and spatial information, amino acid conservation, physicochemical variation, residue mobility, and thermodynamic stability) indicates that this missense variant is expected to disrupt GLUD1 protein function with a positive predictive value of 80%. In summary, the available evidence is currently insufficient to determine the role of this variant in disease. Therefore, it has been classified as a Variant of Uncertain Significance.